The following is an entry in ClinVar:

NM_001365951.3(KIF1B):c.3008G>A (p.Arg1003Gln)

Gene: KIF1B (kinesin family member 1B; plus strand). Cytogenetic location: 1p36.22.
Variant type: single nucleotide variant.
Coding change: c.3008G>A on transcript NM_001365951.3 (MANE Select); coding-DNA position 3008, G replaced by A.
Protein change: p.Arg1003Gln; replaces arginine 1003 with glutamine.
Molecular consequence: missense variant.
Genome position (GRCh38, 1-based): chr1:10,334,603, G>A. VCF-style: chr1-10334603-G-A. GRCh37 (hg19) VCF-style: chr1-10394661-G-A.
Other names: c.3008G>A, p.Arg1003Gln (NM_001365952.1); c.2870G>A, p.Arg957Gln (NM_015074.3); short protein forms R1003Q, R957Q.
Identifiers: ClinVar variation 1797051 (VCV001797051.9), dbSNP rs755104684, ClinGen allele CA17840433.
Genomic context (GRCh38, chr1:10,334,603, plus strand): 5'-TGCTGTATCCCGTGCCCCTGATCCACAGGGTGGCCATCGTCAGTGAGAAAGGTGAAGTGC[G>A]GGGATTTCTGCGTGTGGCTGTACAGGCCATCGCAGGTAGGTGACCCTCTTCTGAAATGAG-3'
Protein context (NP_001352880.1, residues 993-1013): VAIVSEKGEV[Arg1003Gln]GFLRVAVQAI

ClinVar aggregate classification (germline): Uncertain significance. Review status: criteria provided, multiple submitters, no conflicts (2 of 4 stars). 2 submissions from 2 submitters: Uncertain significance (2). Last evaluated 2025-02-10.

Conditions:
Charcot-Marie-Tooth disease type 2. Also called: Charcot-Marie-Tooth type 2. Identifiers: Orphanet 64746, MedGen C0270914, MONDO:0018993.

Allele frequency attached by ClinVar (database versions not stated): gnomAD exomes below 0.00001; gnomAD 0.00001; TOPMed 0.00001.
gnomAD v4.1: 4 of 1,613,884 alleles (0.00025%); highest among the groups gnomAD compares: East Asian, 0.0022%; no homozygotes.

Submissions (2):

Ambry Genetics
Classification: Uncertain significance. Last evaluated: 2025-02-10. Review status: criteria provided, single submitter. Criteria: Ambry Variant Classification Scheme 2023. Collection method: clinical testing. Allele origin: germline.
Comment: The p.R957Q variant (also known as c.2870G>A), located in coding exon 25 of the KIF1B gene, results from a G to A substitution at nucleotide position 2870. The arginine at codon 957 is replaced by glutamine, an amino acid with highly similar properties. This amino acid position is highly conserved in available vertebrate species. In addition, this alteration is predicted to be tolerated by in silico analysis. The evidence for this gene-disease relationship is limited; therefore, the clinical significance of this alteration is unclear.

Labcorp Genetics (formerly Invitae), Labcorp
Classification: Uncertain significance for Charcot-Marie-Tooth disease type 2. Last evaluated: 2022-03-29. Review status: criteria provided, single submitter. Criteria: Invitae Variant Classification Sherloc (09022015). Collection method: clinical testing. Allele origin: germline.
Comment: This sequence change replaces arginine, which is basic and polar, with glutamine, which is neutral and polar, at codon 957 of the KIF1B protein (p.Arg957Gln). This variant is not present in population databases (gnomAD no frequency). This variant has not been reported in the literature in individuals affected with KIF1B-related conditions. Algorithms developed to predict the effect of missense changes on protein structure and function are either unavailable or do not agree on the potential impact of this missense change (SIFT: "Tolerated"; PolyPhen-2: "Possibly Damaging"; Align-GVGD: "Class C0"). In summary, the available evidence is currently insufficient to determine the role of this variant in disease. Therefore, it has been classified as a Variant of Uncertain Significance.